The following is an entry in ClinVar:

NM_032888.4(COL27A1):c.2622G>T (p.Gly874=)

Gene: COL27A1 (collagen type XXVII alpha 1 chain; plus strand). Cytogenetic location: 9q32.
Variant type: single nucleotide variant.
Coding change: c.2622G>T on transcript NM_032888.4 (MANE Select); coding-DNA position 2622, G replaced by T.
Protein change: p.Gly874=; no amino-acid change (glycine 874 retained).
Molecular consequence: synonymous variant.
Genome position (GRCh38, 1-based): chr9:114,236,983, G>T. VCF-style: chr9-114236983-G-T. GRCh37 (hg19) VCF-style: chr9-116999263-G-T.
Identifiers: ClinVar variation 748931 (VCV000748931.13), dbSNP rs752780701, ClinGen allele CA5201994.

ClinVar aggregate classification (germline): Likely benign. Review status: criteria provided, multiple submitters, no conflicts (2 of 4 stars). 3 submissions from 3 submitters: Likely benign (2). 1 of the submissions does not count toward it. Last evaluated 2026-01-28.

Conditions:
COL27A1-related disorder. Also called: COL27A1-related condition.

Allele frequency attached by ClinVar (database versions not stated): gnomAD below 0.00001 and 0.00005; TOPMed below 0.00001; gnomAD exomes 0.00016; ExAC 0.00019.
gnomAD v4.1: 150 of 1,613,350 alleles (0.0093%); highest among the groups gnomAD compares: South Asian, 0.15%; 1 homozygote.

Submissions (3):

Labcorp Genetics (formerly Invitae), Labcorp
Classification: Likely benign. Last evaluated: 2026-01-28. Review status: criteria provided, single submitter. Criteria: Invitae Variant Classification Sherloc (09022015). Collection method: clinical testing. Allele origin: germline.

Blueprint Genetics
Classification: Likely benign. Last evaluated: 2023-06-14. Review status: criteria provided, single submitter. Criteria: ACMG Guidelines, 2015. Collection method: clinical testing. Allele origin: germline.

PreventionGenetics, part of Exact Sciences
Classification: Likely benign for COL27A1-related condition. Last evaluated: 2023-12-04. Review status: no assertion criteria provided. Collection method: clinical testing. Allele origin: germline. Not counted in ClinVar's aggregate classification.
Comment: This variant is classified as likely benign based on ACMG/AMP sequence variant interpretation guidelines (Richards et al. 2015 PMID: 25741868, with internal and published modifications).